The following is an entry in ClinVar:

NM_001148.6(ANK2):c.8039G>A (p.Gly2680Asp)

Gene: ANK2 (ankyrin 2; plus strand). Cytogenetic location: 4q26.
Variant type: single nucleotide variant.
Coding change: c.8039G>A on transcript NM_001148.6 (MANE Select); coding-DNA position 8039, G replaced by A.
Protein change: p.Gly2680Asp; replaces glycine 2680 with aspartic acid.
Molecular consequence: missense variant. On other transcripts: intron variant (68).
Genome position (GRCh38, 1-based): chr4:113,356,657, G>A. VCF-style: chr4-113356657-G-A. GRCh37 (hg19) VCF-style: chr4-114277813-G-A.
Other names: c.4208-4166G>A (NM_001386153.1, NM_001386146.1, NM_001386150.1 and 1 more transcripts); c.4193-4166G>A (NM_001354274.2, NM_001386154.1); c.4142-4166G>A (NM_001386151.1, NM_001354260.2, NM_001354271.2); c.4043-4166G>A (NM_001386157.1, NM_001354277.2); c.4361-4166G>A (NM_001386161.1, NM_001354244.2, NM_001354256.2); c.4286-4166G>A (NM_001354261.2); c.4166-4166G>A (NM_001386156.1, NM_001354257.2); c.4262-4166G>A (NM_001354264.2); and 35 more; short protein forms G1480D, G2602D, G2727D, G2680D, G2719D.
Identifiers: ClinVar variation 1393454 (VCV001393454.6), dbSNP rs753552817, ClinGen allele CA3051703.

ClinVar aggregate classification (germline): Uncertain significance (1 of 4 stars; one submission).

Conditions:
Long QT syndrome (LQTS). Identifiers: MedGen C0023976, MeSH D008133, MONDO:0002442. Disease mechanism: loss of function. Inheritance: Various modes of inheritance.

Allele frequency attached by ClinVar (database versions not stated): gnomAD exomes below 0.00001 and 0.00001; ExAC 0.00001.
gnomAD v4.1: 4 of 1,614,030 alleles (0.00025%); highest among the groups gnomAD compares: South Asian, 0.0033%; no homozygotes.

Submission:

Labcorp Genetics (formerly Invitae), Labcorp
Classification: Uncertain significance for Long QT syndrome. Last evaluated: 2021-10-15. Review status: criteria provided, single submitter. Criteria: Invitae Variant Classification Sherloc (09022015). Collection method: clinical testing. Allele origin: germline.
Comment: In summary, the available evidence is currently insufficient to determine the role of this variant in disease. Therefore, it has been classified as a Variant of Uncertain Significance. Algorithms developed to predict the effect of missense changes on protein structure and function output the following: SIFT: "Tolerated"; PolyPhen-2: "Benign"; Align-GVGD: "Class C0". The aspartic acid amino acid residue is found in multiple mammalian species, which suggests that this missense change does not adversely affect protein function. This variant has not been reported in the literature in individuals affected with ANK2-related conditions. This variant is present in population databases (rs753552817, ExAC 0.006%). This sequence change replaces glycine with aspartic acid at codon 2680 of the ANK2 protein (p.Gly2680Asp). The glycine residue is moderately conserved and there is a moderate physicochemical difference between glycine and aspartic acid.